The following is an entry in ClinVar:

NC_000009.12:g.35657884T>G

Gene: RMRP (RNA component of mitochondrial RNA processing endoribonuclease; minus strand). Cytogenetic location: 9p13.3.
Variant type: single nucleotide variant.
Genome position: GRCh38 VCF-style: chr9-35657884-T-G. GRCh37 (hg19) VCF-style: chr9-35657881-T-G.
Identifiers: ClinVar variation 1411257 (VCV001411257.3), dbSNP rs765138079, ClinGen allele CA192745611.
Genomic context (GRCh38, chr9:35,657,884, plus strand): 5'-ACGGATGACGCCCCCGCGCCACGCCGCTCAGCGGGATACGCTTCTTGGCGGACTTTGGAG[T>G]GGGAAGCGGGGAATGTCTACGTGCGTATGCACGTGGCACTCTCTGCCCGAGGTCCGGGGA-3'

ClinVar aggregate classification (germline): Uncertain significance (1 of 4 stars; one submission).

Conditions:
Anauxetic dysplasia. Identifiers: Orphanet 93347, MedGen C1846796, MONDO:0011773.

gnomAD v4.1: 8 of 694,780 alleles (0.0012%); highest among the groups gnomAD compares: Middle Eastern, 0.036%; no homozygotes.

Submission:

Labcorp Genetics (formerly Invitae), Labcorp
Classification: Uncertain significance for Anauxetic dysplasia. Last evaluated: 2022-06-05. Review status: criteria provided, single submitter. Criteria: Invitae Variant Classification Sherloc (09022015). Collection method: clinical testing. Allele origin: germline.
Comment: This variant occurs in the RMRP gene, which encodes an RNA molecule that does not result in a protein product. This variant is present in population databases (no rsID available, gnomAD 0.02%). This variant has not been reported in the literature in individuals affected with RMRP-related conditions. ClinVar contains an entry for this variant (Variation ID: 1411257). In summary, the available evidence is currently insufficient to determine the role of this variant in disease. Therefore, it has been classified as a Variant of Uncertain Significance.